The following is an entry in ClinVar:

NM_000049.4(ASPA):c.454T>C (p.Cys152Arg)

Genes: ASPA (aspartoacylase; plus strand), SPATA22 (spermatogenesis associated 22; minus strand). Cytogenetic location: 17p13.2.
Variant type: single nucleotide variant.
Coding change: c.454T>C on transcript NM_000049.4 (MANE Select); coding-DNA position 454, T replaced by C.
Protein change: p.Cys152Arg; replaces cysteine 152 with arginine.
Molecular consequence: missense variant. On other transcripts: intron variant (2).
Genome position (GRCh38, 1-based): chr17:3,483,520, T>C. VCF-style: chr17-3483520-T-C. GRCh37 (hg19) VCF-style: chr17-3386814-T-C.
Other names: c.454T>C, p.Cys152Arg (NM_001128085.1); c.-73-14122A>G (NM_001321336.2, NM_001321337.2); short protein forms C152R.
Identifiers: ClinVar variation 2606 (VCV000002606.14), dbSNP rs104894548, ClinGen allele CA252354.
Genomic context (GRCh38, chr17:3,483,520, plus strand): 5'-CGGTTTTTACCTAAGAAAGACGTTTTTGATTTTTTTCAGACTTCTCTGGCTCCACTACCC[T>C]GCTACGTTTATCTGATTGAGCATCCTTCCCTCAAATATGCGACCACTCGTTCCATAGCCA-3'
Protein context (NP_000040.1, residues 142-162): YIKTSLAPLP[Cys152Arg]YVYLIEHPSL

ClinVar aggregate classification (germline): Pathogenic/Likely pathogenic. Review status: criteria provided, multiple submitters, no conflicts (2 of 4 stars). 9 submissions from 9 submitters: Pathogenic (4); Likely pathogenic (3). 2 of the submissions do not count toward it. Last evaluated 2026-08-03.

Conditions:
Canavan Disease, Familial Form. Identifiers: MedGen C0751663.
Spongy degeneration of central nervous system. Also called: Von Bogaert-Bertrand disease; ACY2 DEFICIENCY; AMINOACYLASE 2 DEFICIENCY; ASP DEFICIENCY; ASPA DEFICIENCY; ASPARTOACYLASE DEFICIENCY. Identifiers: Orphanet 141, MedGen C0206307, MONDO:0010079, OMIM 271900.

Submissions (9):

Genelabs Medical  (pvt) Ltd
Classification: Likely pathogenic for Spongy degeneration of central nervous system. Last evaluated: 2026-08-03. Review status: criteria provided, single submitter. Criteria: ACMG Guidelines, 2015. Collection method: clinical testing. Allele origin: germline. Inheritance: Autosomal recessive inheritance. Affected: no. Observed: 1 heterozygote.
Comment: The missense variant NM_000049.4(ASPA):c.454T>C (p.Cys152Arg) is absent from population databases. This residue lies in a region of ASPA that shows slight intolerance to missense variation (MetaDome score 0.68), with 4 pathogenic/likely,pathogenic versus no benign/likely benign missense variants reported, supporting regional functional importance. It has been reported in one homozygous affected individual (PMID: 7599639), supporting pathogenicity in a recessive context. Additional missense changes at nearby codons (c.455G>C, c.455G>A, c.456C>G) are classified as pathogenic or likely pathogenic, further emphasizing the functional relevance of this region. In silico prediction tools support a deleterious effect, with a high REVEL score of 0.917. Based on the cumulative evidence, this variant is classified as Likely Pathogenic. (PM1, PM2_Supporting, PM3_Supporting, PM5, PP3_Moderate)

GeneDx
Classification: Pathogenic. Last evaluated: 2025-12-29. Review status: criteria provided, single submitter. Criteria: GeneDx Variant Classification Process June 2021. Collection method: clinical testing. Allele origin: germline.
Comment: Not observed at significant frequency in large population cohorts (gnomAD); In vitro functional studies demonstrate near complete loss of enzymatic activity for this variant (PMID: 7599639, 22850825); In silico analysis supports that this missense variant has a deleterious effect on protein structure/function; This variant is associated with the following publications: (PMID: 23233226, 7599639, 22850825, 12638939)

Natera, Inc.
Classification: Likely pathogenic for Canavan Disease. Last evaluated: 2024-08-14. Review status: criteria provided, single submitter. Criteria: Natera Variant Classification Schema (03/2026). Collection method: clinical testing. Allele origin: germline.
Comment: The c.454T>C variant in ASPA is a missense variant predicted to cause substitution of cysteine to arginine at amino acid 152. This variant is rare in the general population with a frequency below the threshold expected for the associated phenotype(s). This variant has been observed in one or more individuals affected with the associated recessive disease, as either homozygous or compound heterozygous with a second variant (PMID: 7599639). This variant has been identified in one or more affected individual with a phenotype highly consistent with the associated gene (PMID: 7599639). Functional studies show that this variant may disrupt protein function (PMID: 7599639). Given the available evidence, this variant is classified as Likely Pathogenic.

Fulgent Genetics
Classification: Pathogenic for Spongy degeneration of central nervous system. Last evaluated: 2024-04-30. Review status: criteria provided, single submitter. Criteria: ACMG Guidelines, 2015. Collection method: clinical testing. Allele origin: germline.

Labcorp Genetics (formerly Invitae), Labcorp
Classification: Pathogenic for Spongy degeneration of central nervous system. Last evaluated: 2023-11-06. Review status: criteria provided, single submitter. Criteria: Invitae Variant Classification Sherloc (09022015). Collection method: clinical testing. Allele origin: germline.
Comment: This sequence change replaces cysteine, which is neutral and slightly polar, with arginine, which is basic and polar, at codon 152 of the ASPA protein (p.Cys152Arg). This variant is not present in population databases (gnomAD no frequency). This missense change has been observed in individual(s) with Canavan disease (PMID: 7599639). ClinVar contains an entry for this variant (Variation ID: 2606). Advanced modeling of protein sequence and biophysical properties (such as structural, functional, and spatial information, amino acid conservation, physicochemical variation, residue mobility, and thermodynamic stability) performed at Invitae indicates that this missense variant is expected to disrupt ASPA protein function with a positive predictive value of 95%. Experimental studies have shown that this missense change affects ASPA function (PMID: 7599639, 22850825). For these reasons, this variant has been classified as Pathogenic.

Women's Health and Genetics/Laboratory Corporation of America, LabCorp
Classification: Pathogenic for Canavan Disease, Familial Form. Last evaluated: 2023-09-20. Review status: criteria provided, single submitter. Criteria: LabCorp Variant Classification Summary - May 2015. Collection method: clinical testing. Allele origin: germline.
Comment: Variant summary: ASPA c.454T>C (p.Cys152Arg) results in a non-conservative amino acid change in the encoded protein sequence. Five of five in-silico tools predict a damaging effect of the variant on protein function. The variant was absent in 251422 control chromosomes (gnomAD). c.454T>C has been reported in the literature in the homozygous state in an individual affected with Canavan Disease (Kaul_1995). These data indicate that the variant may be associated with disease. Publications report experimental evidence evaluating an impact on protein function in vitro and found the variant results in a severe loss in enzyme activity, approximately 0.5% of the wild type protein, and has reduced thermal and conformational stability (Kaul_1995, Zano_2013). Additionally, other variants affecting the same amino acid (i.e. C152W, C152Y) have been observed in affected individuals (HGMD database), at least one of which (C152W) has also been shown to have impaired enzyme activity in a functional study (Zano_2013), suggesting Cys152 is important for enzyme function. The following publications have been ascertained in the context of this evaluation (PMID: 7599639, 22850825). One submitter has cited a clinical-significance assessment for this variant to ClinVar after 2014 and has classified the variant as likely pathogenic. Based on the evidence outlined above, the variant was classified as pathogenic.

3billion
Classification: Likely pathogenic for Spongy degeneration of central nervous system. Last evaluated: 2022-03-22. Review status: criteria provided, single submitter. Criteria: ACMG Guidelines, 2015. Collection method: clinical testing. Allele origin: germline. Affected: yes. Observed: 1 homozygote.
Comment: Same or different nucleotide change resulting in same amino acid change has been previously reported to be associated with ASPA related disorder (ClinVar ID: VCV000002606 ). The variant has been reported to be in trans with a pathogenic variant as homozygous in at least one similarly affected unrelated individual(PMID: 7599639). Different pathogenic/likely pathogenic amino acid change has been reported with supporting evidence at the same codon (PMID:8659549,12638939). In silico tool predictions suggest damaging effect of the variant on gene or gene product (REVEL: 0.917>=0.6, 3CNET: 0.887>=0.75). It is not observed in the gnomAD v2.1.1 dataset. Therefore, this variant is classified as likely pathogenic according to the recommendation of ACMG/AMP guideline.

Foundation for Research in Genetics and Endocrinology, FRIGE's Institute of Human Genetics
Classification: Pathogenic for Spongy degeneration of central nervous system. Last evaluated: 2012-10-22. Review status: no assertion criteria provided. Collection method: clinical testing. Allele origin: germline. Inheritance: Autosomal recessive inheritance. Affected: no. Observed: 4 variant alleles, 4 heterozygotes. Not counted in ClinVar's aggregate classification.
Comment: The observed variant c.454T>C (p.Cys152Arg) is not reported in 1000 Genomes and ExAC databases. The in silico prediction of the variant is disease causing by MutationTaster2, damaging by SIFT and probably damaging by PolyPhen2.

OMIM
Classification: Pathogenic for CANAVAN DISEASE. Last evaluated: 1995-01-01. Review status: no assertion criteria provided. Collection method: literature only. Allele origin: germline. Not counted in ClinVar's aggregate classification.

Literature cited by the submitters: PubMed 7599639 (cited by 6 submitters); PubMed 22850825 (cited by Labcorp Genetics (formerly Invitae), Labcorp and Women's Health and Genetics/Laboratory Corporation of America, LabCorp); PubMed 8659549 (cited by 3billion); PubMed 12638939 (cited by 3billion).